The following is an entry in ClinVar:

NM_006267.5(RANBP2):c.1952A>G (p.His651Arg)

Gene: RANBP2 (RAN binding protein 2; plus strand). Cytogenetic location: 2q13.
Variant type: single nucleotide variant.
Coding change: c.1952A>G on transcript NM_006267.5 (MANE Select); coding-DNA position 1952, A replaced by G.
Protein change: p.His651Arg; replaces histidine 651 with arginine.
Molecular consequence: missense variant.
Genome position (GRCh38, 1-based): chr2:108,753,460, A>G. VCF-style: chr2-108753460-A-G. GRCh37 (hg19) VCF-style: chr2-109369916-A-G.
Other names: short protein forms H651R.
Identifiers: ClinVar variation 2143601 (VCV002143601.4), dbSNP rs750660048, ClinGen allele CA1822493.

ClinVar aggregate classification (germline): Uncertain significance (1 of 4 stars; one submission).

Conditions:
Familial acute necrotizing encephalopathy (IIAE3). Also called: ENCEPHALOPATHY, ACUTE, INFECTION-INDUCED, SUSCEPTIBILITY TO, 3; Susceptibility to Acute Necrotizing Encephalopathy 1. Identifiers: Orphanet 88619, MedGen C2675556, MONDO:0011953, OMIM 608033.

Allele frequency attached by ClinVar (database versions not stated): TOPMed below 0.00001; gnomAD 0.00001; gnomAD exomes 0.00001; ExAC 0.00003.
gnomAD v4.1: 9 of 1,611,782 alleles (0.00056%); highest among the groups gnomAD compares: Middle Eastern, 0.022%; 1 homozygote.

Submission:

Labcorp Genetics (formerly Invitae), Labcorp
Classification: Uncertain significance for Familial acute necrotizing encephalopathy. Last evaluated: 2025-10-01. Review status: criteria provided, single submitter. Criteria: Invitae Variant Classification Sherloc (09022015). Collection method: clinical testing. Allele origin: germline.
Comment: This sequence change replaces histidine, which is basic and polar, with arginine, which is basic and polar, at codon 651 of the RANBP2 protein (p.His651Arg). This variant is present in population databases (rs750660048, gnomAD 0.003%). This variant has not been reported in the literature in individuals affected with RANBP2-related conditions. ClinVar contains an entry for this variant (Variation ID: 2143601). An algorithm developed to predict the effect of missense changes on protein structure and function (PolyPhen-2) suggests that this variant is likely to be tolerated. In summary, the available evidence is currently insufficient to determine the role of this variant in disease. Therefore, it has been classified as a Variant of Uncertain Significance.